The following is an entry in ClinVar:

ClinVar aggregate classification (germline): Uncertain significance (1 of 4 stars; one submission).

Submission:

Labcorp Genetics (formerly Invitae), Labcorp
Classification: Uncertain significance. Last evaluated: 2023-10-25. Review status: criteria provided, single submitter. Criteria: Invitae Variant Classification Sherloc (09022015). Collection method: clinical testing. Allele origin: germline.
Comment: This sequence change replaces arginine, which is basic and polar, with leucine, which is neutral and non-polar, at codon 377 of the PRPF31 protein (p.Arg377Leu). This variant is not present in population databases (gnomAD no frequency). This variant has not been reported in the literature in individuals affected with PRPF31-related conditions. An algorithm developed to predict the effect of missense changes on protein structure and function (PolyPhen-2) suggests that this variant is likely to be disruptive. In summary, the available evidence is currently insufficient to determine the role of this variant in disease. Therefore, it has been classified as a Variant of Uncertain Significance.

NM_015629.4(PRPF31):c.1130G>T (p.Arg377Leu)

Gene: PRPF31 (pre-mRNA processing factor 31; plus strand). Cytogenetic location: 19q13.42.
Variant type: single nucleotide variant.
Coding change: c.1130G>T on transcript NM_015629.4 (MANE Select); coding-DNA position 1130, G replaced by T.
Protein change: p.Arg377Leu; replaces arginine 377 with leucine.
Molecular consequence: missense variant.
Genome position (GRCh38, 1-based): chr19:54,128,361, G>T. VCF-style: chr19-54128361-G-T. GRCh37 (hg19) VCF-style: chr19-54631736-G-T.
Other names: short protein forms R377L.
Identifiers: ClinVar variation 2777300 (VCV002777300.3), dbSNP rs756479054, ClinGen allele CA407753956.